The following is an entry in ClinVar:

NM_000535.7(PMS2):c.1161G>T (p.Met387Ile)

Gene: PMS2 (PMS1 homolog 2, mismatch repair system component; minus strand). Cytogenetic location: 7p22.1.
Variant type: single nucleotide variant.
Coding change: c.1161G>T on transcript NM_000535.7 (MANE Select); coding-DNA position 1161, G replaced by T.
Protein change: p.Met387Ile; replaces methionine 387 with isoleucine.
Molecular consequence: missense variant. On other transcripts: non-coding transcript variant (1), intron variant (1).
Genome position (GRCh38, 1-based): chr7:5,987,604, C>A on the plus strand (G>T on the coding strand, the complement: PMS2 is on the minus strand). VCF-style: chr7-5987604-C-A. GRCh37 (hg19) VCF-style: chr7-6027235-C-A.
Other names: c.756G>T, p.Met252Ile (NM_001322005.2, NM_001322009.2, NM_001322003.2 and 16 more transcripts); c.1005G>T, p.Met335Ile (NM_001322006.2, NM_001406870.1); c.843G>T, p.Met281Ile (NM_001322007.2, NM_001322008.2, NM_001406876.1 and 2 more transcripts); c.600G>T, p.Met200Ile (NM_001322010.2, NM_001406906.1, NM_001406907.1); c.228G>T, p.Met76Ile (NM_001322011.2, NM_001322012.2); c.588G>T, p.Met196Ile (NM_001322013.2, NM_001406909.1); c.852G>T, p.Met284Ile (NM_001406875.1, NM_001406877.1, NM_001406878.1 and 5 more transcripts); c.696G>T, p.Met232Ile (NM_001406900.1); and 13 more; short protein forms M130I, M216I, M229I, M232I, M265I, M281I, M275I, M351I.
Identifiers: ClinVar variation 3692956 (VCV003692956.2).

ClinVar aggregate classification (germline): Uncertain significance (1 of 4 stars; one submission).

Conditions:
Hereditary nonpolyposis colorectal neoplasms. Identifiers: MedGen C0009405, MeSH D003123.

Submission:

Labcorp Genetics (formerly Invitae), Labcorp
Classification: Uncertain significance for Hereditary nonpolyposis colorectal neoplasms. Last evaluated: 2024-04-15. Review status: criteria provided, single submitter. Criteria: Invitae Variant Classification Sherloc (09022015). Collection method: clinical testing. Allele origin: germline.
Comment: This sequence change replaces methionine, which is neutral and non-polar, with isoleucine, which is neutral and non-polar, at codon 387 of the PMS2 protein (p.Met387Ile). This variant is not present in population databases (gnomAD no frequency). This variant has not been reported in the literature in individuals affected with PMS2-related conditions. Advanced modeling of protein sequence and biophysical properties (such as structural, functional, and spatial information, amino acid conservation, physicochemical variation, residue mobility, and thermodynamic stability) performed at Invitae indicates that this missense variant is not expected to disrupt PMS2 protein function with a negative predictive value of 80%. In summary, the available evidence is currently insufficient to determine the role of this variant in disease. Therefore, it has been classified as a Variant of Uncertain Significance.